The following is an entry in ClinVar:

NM_021625.5(TRPV4):c.2152A>G (p.Met718Val)

Gene: TRPV4 (transient receptor potential cation channel subfamily V member 4; minus strand). Cytogenetic location: 12q24.11.
Variant type: single nucleotide variant.
Coding change: c.2152A>G on transcript NM_021625.5 (MANE Select); coding-DNA position 2152, A replaced by G.
Protein change: p.Met718Val; replaces methionine 718 with valine.
Molecular consequence: missense variant.
Genome position (GRCh38, 1-based): chr12:109,788,456, T>C on the plus strand (A>G on the coding strand, the complement: TRPV4 is on the minus strand). VCF-style: chr12-109788456-T-C. GRCh37 (hg19) VCF-style: chr12-110226261-T-C.
Other names: c.1972A>G, p.Met658Val (NM_147204.3); c.1831A>G, p.Met611Val (NM_001177433.2); c.2011A>G, p.Met671Val (NM_001177428.2); c.2050A>G, p.Met684Val (NM_001177431.2); short protein forms M611V, M658V, M671V, M684V, M718V.
Identifiers: ClinVar variation 4803070 (VCV004803070.2).

ClinVar aggregate classification (germline): Conflicting classifications of pathogenicity. Review status: criteria provided, conflicting classifications (1 of 4 stars). 2 submissions from 2 submitters: Likely pathogenic (1); Uncertain significance (1). Last evaluated 2025-07-06.

Conditions:
TRPV4-related disorder. Also called: TRPV4-related disorders; TRPV4-related condition.
Charcot-Marie-Tooth disease axonal type 2C (HMSN2C). Also called: Charcot-Marie-Tooth Disease Type 2, TRPV4-Related (CMT2C); CHARCOT-MARIE-TOOTH DISEASE, AXONAL, AUTOSOMAL DOMINANT, TYPE 2C; Charcot-Marie-Tooth Neuropathy Type 2C. Identifiers: Orphanet 99937, MedGen C1853710, MONDO:0011633, OMIM 606071.

Submissions (2):

Labcorp Genetics (formerly Invitae), Labcorp
Classification: Uncertain significance for Charcot-Marie-Tooth disease axonal type 2C. Last evaluated: 2025-07-06. Review status: criteria provided, single submitter. Criteria: Invitae Variant Classification Sherloc (09022015). Collection method: clinical testing. Allele origin: germline.
Comment: This sequence change replaces methionine, which is neutral and non-polar, with valine, which is neutral and non-polar, at codon 718 of the TRPV4 protein (p.Met718Val). This variant is not present in population databases (gnomAD no frequency). This variant has not been reported in the literature in individuals affected with TRPV4-related conditions. Invitae Evidence Modeling of protein sequence and biophysical properties (such as structural, functional, and spatial information, amino acid conservation, physicochemical variation, residue mobility, and thermodynamic stability) has been performed for this missense variant. However, the output from this modeling did not meet the statistical confidence thresholds required to predict the impact of this variant on TRPV4 protein function. In summary, the available evidence is currently insufficient to determine the role of this variant in disease. Therefore, it has been classified as a Variant of Uncertain Significance.

Blueprint Genetics
Classification: Likely pathogenic for TRPV4-related disorders. Last evaluated: 2022-08-04. Review status: criteria provided, single submitter. Criteria: ACMG Guidelines, 2015. Collection method: clinical testing. Allele origin: germline. Affected: yes. Observed: 1 variant allele.